The following is an entry in ClinVar:

NM_207352.4(CYP4V2):c.242C>G (p.Thr81Arg)

Gene: CYP4V2 (cytochrome P450 family 4 subfamily V member 2; plus strand). Cytogenetic location: 4q35.1.
Variant type: single nucleotide variant.
Coding change: c.242C>G on transcript NM_207352.4 (MANE Select); coding-DNA position 242, C replaced by G.
Protein change: p.Thr81Arg; replaces threonine 81 with arginine.
Molecular consequence: missense variant.
Genome position (GRCh38, 1-based): chr4:186,194,527, C>G. VCF-style: chr4-186194527-C-G. GRCh37 (hg19) VCF-style: chr4-187115681-C-G.
Other names: short protein forms T81R.
Identifiers: ClinVar variation 1504129 (VCV001504129.9), dbSNP rs2126582057, ClinGen allele CA358946856.

ClinVar aggregate classification (germline): Uncertain significance. Review status: criteria provided, multiple submitters, no conflicts (2 of 4 stars). 2 submissions from 2 submitters: Uncertain significance (2). Last evaluated 2023-01-01.

Conditions:
Retinal dystrophy. Also called: Inherited retinal dystrophy. Identifiers: Orphanet 71862, MedGen C0854723, MeSH D058499, MONDO:0019118, HP:0000556.

Allele frequency attached by ClinVar (database versions not stated): gnomAD exomes below 0.00001.
gnomAD v4.1: 5 of 1,614,102 alleles (0.00031%); highest among the groups gnomAD compares: Non-Finnish European, 0.00042%; no homozygotes.

Submissions (2):

Institute of Human Genetics, Univ. Regensburg, Univ. Regensburg
Classification: Uncertain significance for Retinal dystrophy. Last evaluated: 2023-01-01. Review status: criteria provided, single submitter. Criteria: ACMG Guidelines, 2015. Collection method: clinical testing. Allele origin: germline. Affected: yes.

Labcorp Genetics (formerly Invitae), Labcorp
Classification: Uncertain significance. Last evaluated: 2021-06-24. Review status: criteria provided, single submitter. Criteria: Invitae Variant Classification Sherloc (09022015). Collection method: clinical testing. Allele origin: germline.
Comment: Advanced modeling of protein sequence and biophysical properties (such as structural, functional, and spatial information, amino acid conservation, physicochemical variation, residue mobility, and thermodynamic stability) performed at Invitae indicates that this missense variant is not expected to disrupt CYP4V2 protein function. This sequence change replaces threonine with arginine at codon 81 of the CYP4V2 protein (p.Thr81Arg). The threonine residue is moderately conserved and there is a moderate physicochemical difference between threonine and arginine. This variant is not present in population databases (ExAC no frequency). This variant has been observed in individual(s) with Bietti crystalline dystrophy (PMID: 25629076). In summary, the available evidence is currently insufficient to determine the role of this variant in disease. Therefore, it has been classified as a Variant of Uncertain Significance.

Literature cited by the submitters: PubMed 25629076 (cited by Institute of Human Genetics, Univ. Regensburg, Univ. Regensburg and Labcorp Genetics (formerly Invitae), Labcorp).